The following is an entry in ClinVar:

ClinVar aggregate classification (germline): Pathogenic/Likely pathogenic. Review status: criteria provided, multiple submitters, no conflicts (2 of 4 stars). 2 submissions from 2 submitters: Pathogenic (1); Likely pathogenic (1). Last evaluated 2023-12-18.

Conditions:
BEST1-related disorder. Also called: BEST1-related condition; BEST1-related disorders. Identifiers: MedGen CN239200.

Submissions (2):

Labcorp Genetics (formerly Invitae), Labcorp
Classification: Pathogenic. Last evaluated: 2023-12-18. Review status: criteria provided, single submitter. Criteria: Invitae Variant Classification Sherloc (09022015). Collection method: clinical testing. Allele origin: germline.
Comment: This sequence change replaces isoleucine, which is neutral and non-polar, with threonine, which is neutral and polar, at codon 76 of the BEST1 protein (p.Ile76Thr). This variant is not present in population databases (gnomAD no frequency). This missense change has been observed in individuals with clinical features of autosomal dominant Best vitelliform macular dystrophy (PMID: 28687848; Invitae). ClinVar contains an entry for this variant (Variation ID: 2137111). Advanced modeling of protein sequence and biophysical properties (such as structural, functional, and spatial information, amino acid conservation, physicochemical variation, residue mobility, and thermodynamic stability) performed at Invitae indicates that this missense variant is expected to disrupt BEST1 protein function with a positive predictive value of 95%. This variant disrupts the p.Ile76 amino acid residue in BEST1. Other variant(s) that disrupt this residue have been determined to be pathogenic (PMID: 21273940, 31519547; Invitae). This suggests that this residue is clinically significant, and that variants that disrupt this residue are likely to be disease-causing. For these reasons, this variant has been classified as Pathogenic.

Blueprint Genetics
Classification: Likely pathogenic for BEST1-related disorders. Last evaluated: 2017-09-06. Review status: criteria provided, single submitter. Criteria: ACMG Guidelines, 2015. Collection method: clinical testing. Allele origin: germline. Affected: yes. Observed: 1 variant allele.

Literature cited by the submitters: PubMed 28687848 (cited by Labcorp Genetics (formerly Invitae), Labcorp); PubMed 21273940 (cited by Labcorp Genetics (formerly Invitae), Labcorp); PubMed 31519547 (cited by Labcorp Genetics (formerly Invitae), Labcorp).

NM_004183.4(BEST1):c.227T>C (p.Ile76Thr)

Gene: BEST1 (bestrophin 1; plus strand). Cytogenetic location: 11q12.3.
Variant type: single nucleotide variant.
Coding change: c.227T>C on transcript NM_004183.4 (MANE Select); coding-DNA position 227, T replaced by C.
Protein change: p.Ile76Thr; replaces isoleucine 76 with threonine.
Molecular consequence: missense variant. On other transcripts: non-coding transcript variant (1).
Genome position (GRCh38, 1-based): chr11:61,955,181, T>C. VCF-style: chr11-61955181-T-C. GRCh37 (hg19) VCF-style: chr11-61722653-T-C.
Other names: c.47T>C, p.Ile16Thr (NM_001139443.3, NM_001300786.2, NM_001300787.2); c.227T>C, p.Ile76Thr (NM_001363592.2); short protein forms I16T, I76T.
Identifiers: ClinVar variation 2137111 (VCV002137111.5), dbSNP rs2541354342, ClinGen allele CA380833776.